The following is an entry in ClinVar:

ClinVar aggregate classification (germline): Likely benign. Review status: criteria provided, multiple submitters, no conflicts (2 of 4 stars). 2 submissions from 2 submitters: Likely benign (2). Last evaluated 2025-10-12.

Conditions:
SBF2-related disorder. Also called: SBF2-related condition.
Charcot-Marie-Tooth disease type 4. Also called: Charcot-Marie-Tooth disease, type IV; Charcot-Marie-Tooth, Type 4. Identifiers: Orphanet 64749, MedGen C4082197, MONDO:0018995.

Allele frequency attached by ClinVar (database versions not stated): gnomAD exomes 0.00003 and 0.00011; ExAC 0.00007; gnomAD 0.00009 and 0.00011; TOPMed 0.00011; 1000 Genomes Project 30x 0.00047; 1000 Genomes Project 0.00060.
gnomAD v4.1: 62 of 1,613,812 alleles (0.0038%); highest among the groups gnomAD compares: East Asian, 0.12%; no homozygotes.

Submissions (2):

Labcorp Genetics (formerly Invitae), Labcorp
Classification: Likely benign for Charcot-Marie-Tooth disease type 4. Last evaluated: 2025-10-12. Review status: criteria provided, single submitter. Criteria: Invitae Variant Classification Sherloc (09022015). Collection method: clinical testing. Allele origin: germline.

PreventionGenetics, part of Exact Sciences
Classification: Likely benign for SBF2-related condition. Last evaluated: 2025-07-08. Review status: criteria provided, single submitter. Criteria: ACMG Guidelines, 2015. Collection method: clinical testing. Allele origin: germline.
Comment: This variant is classified as likely benign based on ACMG/AMP sequence variant interpretation guidelines (Richards et al. 2015 PMID: 25741868, with internal and published modifications).

NM_030962.4(SBF2):c.3111-9G>A

Genes: SBF2 (SET binding factor 2; minus strand), LOC101928008 (uncharacterized LOC101928008; plus strand). Cytogenetic location: 11p15.4.
Variant type: single nucleotide variant.
Coding change: c.3111-9G>A on transcript NM_030962.4 (MANE Select); 9 bases into the intron before coding-DNA position 3111, G replaced by A.
Molecular consequence: intron variant.
Genome position (GRCh38, 1-based): chr11:9,842,779, C>T on the plus strand (G>A on the coding strand, the complement: SBF2 is on the minus strand). VCF-style: chr11-9842779-C-T. GRCh37 (hg19) VCF-style: chr11-9864326-C-T.
Other names: c.2982-9G>A (NM_001386342.1); c.3111-9G>A (NM_001386339.1).
Identifiers: ClinVar variation 697295 (VCV000697295.10), dbSNP rs200045139, ClinGen allele CA5881364.
Genomic context (GRCh38, chr11:9,842,779, plus strand): 5'-TGTCATTTTCCCTGCCCTTTTGGCACCTTTCACAATTGTTTTTGAGAAGGTACTACAAGT[C>T]ATAAAACCAAAGAGAATGTCAACTTAATATAAAAGCACTACTTGTATTGTTGACACCTAC-3'